The following is an entry in ClinVar:

ClinVar aggregate classification (germline): Uncertain significance (1 of 4 stars; one submission).

Conditions:
Inborn genetic diseases. Identifiers: MedGen C0950123, MeSH D030342.

Allele frequency attached by ClinVar (database versions not stated): gnomAD 0.00001; TOPMed 0.00001.
gnomAD v4.1: 1 of 1,612,748 alleles (0.000062%); highest among the groups gnomAD compares: Non-Finnish European, 0.000085%; no homozygotes.

Submission:

Ambry Genetics
Classification: Uncertain significance for Inborn genetic diseases. Last evaluated: 2024-10-25. Review status: criteria provided, single submitter. Criteria: Ambry Variant Classification Scheme 2023. Collection method: clinical testing. Allele origin: germline.
Comment: The p.D1186V variant (also known as c.3557A>T), located in coding exon 18 of the ATR gene, results from an A to T substitution at nucleotide position 3557. The aspartic acid at codon 1186 is replaced by valine, an amino acid with highly dissimilar properties. This amino acid position is conserved. In addition, the in silico prediction for this alteration is inconclusive. Since supporting evidence is limited at this time, the clinical significance of this alteration remains unclear.

NM_001184.4(ATR):c.3557A>T (p.Asp1186Val)

Gene: ATR (ATR checkpoint kinase; minus strand). Cytogenetic location: 3q23.
Variant type: single nucleotide variant.
Coding change: c.3557A>T on transcript NM_001184.4 (MANE Select); coding-DNA position 3557, A replaced by T.
Protein change: p.Asp1186Val; replaces aspartic acid 1186 with valine.
Molecular consequence: missense variant.
Genome position (GRCh38, 1-based): chr3:142,540,928, T>A on the plus strand (A>T on the coding strand, the complement: ATR is on the minus strand). VCF-style: chr3-142540928-T-A. GRCh37 (hg19) VCF-style: chr3-142259770-T-A.
Other names: c.3365A>T, p.Asp1122Val (NM_001354579.2); short protein forms D1122V, D1186V.
Identifiers: ClinVar variation 1732644 (VCV001732644.3), dbSNP rs1302753114, ClinGen allele CA354807743.
Genomic context (GRCh38, chr3:142,540,928, plus strand): 5'-AAAAAAAAAAATTAATAAACTCAGGCAGTCATTTACCTGCAACACAATTCAGGAAAATCA[T>A]CCTTGAATCGAAGGCCAGTTCTCAGTGTGGTCATCATCTTCACCCTCACAGAACTGACAT-3'
Protein context (NP_001175.2, residues 1176-1196): TTLRTGLRFK[Asp1186Val]DFPELCCRAW